The following is an entry in ClinVar:

NM_000059.4(BRCA2):c.1617A>G (p.Gly539=)

Gene: BRCA2 (BRCA2 DNA repair associated; plus strand). Cytogenetic location: 13q13.1.
Variant type: single nucleotide variant.
Coding change: c.1617A>G on transcript NM_000059.4 (MANE Select); coding-DNA position 1617, A replaced by G.
Protein change: p.Gly539=; no amino-acid change (glycine 539 retained).
Molecular consequence: synonymous variant.
Genome position (GRCh38, 1-based): chr13:32,333,095, A>G. VCF-style: chr13-32333095-A-G. GRCh37 (hg19) VCF-style: chr13-32907232-A-G.
Identifiers: ClinVar variation 427423 (VCV000427423.3), dbSNP rs1131692142, ClinGen allele CA483437088.
Genomic context (GRCh38, chr13:32,333,095, plus strand): 5'-TTTTTCAGGTCATATGACTGATCCAAACTTTAAAAAAGAAACTGAAGCCTCTGAAAGTGG[A>G]CTGGAAATACATACTGTTTGCTCACAGAAGGAGGACTCCTTATGTCCAAATTTAATTGAT-3'
Protein context (NP_000050.3, residues 529-549): FKKETEASES[Gly539=]LEIHTVCSQK

ClinVar aggregate classification (germline): Likely benign (3 of 4 stars; one submission).

Conditions:
Breast-ovarian cancer, familial, susceptibility to, 2 (BROVCA2). Also called: BRCA2 Hereditary Breast and Ovarian Cancer. Identifiers: Orphanet 145, MedGen C2675520, MONDO:0012933, OMIM 612555. Disease mechanism: loss of function.

Submission:

Evidence-based Network for the Interpretation of Germline Mutant Alleles (ENIGMA)
Classification: Likely benign for Breast-ovarian cancer, familial, susceptibility to, 2. Last evaluated: 2017-06-29. Review status: reviewed by expert panel. Criteria: ENIGMA BRCA1/2 Classification Criteria (2017-06-29). Collection method: curation. Allele origin: germline.
Comment: Synonymous substitution variant, with low bioinformatic likelihood to result in a splicing aberration (Splicing prior probability 0.02).